The following is an entry in ClinVar:

NM_001161748.2(LIM2):c.175+29C>T

Genes: LIM2 (lens intrinsic membrane protein 2; minus strand), LIM2-AS1 (LIM2 and SIGLEC10 antisense RNA 1; plus strand). Cytogenetic location: 19q13.41.
Variant type: single nucleotide variant.
Coding change: c.175+29C>T on transcript NM_001161748.2 (MANE Select); 29 bases into the intron after coding-DNA position 175, C replaced by T.
Molecular consequence: intron variant. On other transcripts: synonymous variant (1).
Genome position (GRCh38, 1-based): chr19:51,387,240, G>A on the plus strand (C>T on the coding strand, the complement: LIM2 is on the minus strand). VCF-style: chr19-51387240-G-A. GRCh37 (hg19) VCF-style: chr19-51890494-G-A.
Other names: c.204C>T, p.Arg68= (NM_030657.4).
Identifiers: ClinVar variation 3031821 (VCV003031821.4), dbSNP rs533314455, ClinGen allele CA9611600.
Genomic context (GRCh38, chr19:51,387,240, plus strand): 5'-TCTCCATCTGGAATACAGGTGTCCTTGGGCCCCGAGGTCCGCCCTGCTCTTTCCCCAGGC[G>A]CGGCCTGGACCCTGGCCGGGGGGCTCACCGATGCTGTCTGTCTGCAGGTAGCACTTGTTG-3'

ClinVar aggregate classification (germline): Likely benign. Review status: criteria provided, single submitter (1 of 4 stars). 2 submissions from 2 submitters: Likely benign (1). 1 of the submissions does not count toward it. Last evaluated 2025-09-03.

Conditions:
Cataract 19 multiple types. Also called: CATARACT 19, CORTICAL PULVERULENT; CATARACT 19, CONGENITAL TOTAL. Identifiers: Orphanet 91492, MedGen C3809004, MONDO:0014111, OMIM 615277.
LIM2-related disorder. Also called: LIM2-related condition.

Allele frequency attached by ClinVar (database versions not stated): gnomAD exomes 0.00001; TOPMed 0.00008; gnomAD 0.00011; ExAC 0.00003.

Submissions (2):

Labcorp Genetics (formerly Invitae), Labcorp
Classification: Likely benign for Cataract 19 multiple types. Last evaluated: 2025-09-03. Review status: criteria provided, single submitter. Criteria: Invitae Variant Classification Sherloc (09022015). Collection method: clinical testing. Allele origin: germline.

PreventionGenetics, part of Exact Sciences
Classification: Likely benign for LIM2-related condition. Last evaluated: 2021-03-19. Review status: no assertion criteria provided. Collection method: clinical testing. Allele origin: germline. Not counted in ClinVar's aggregate classification.
Comment: This variant is classified as likely benign based on ACMG/AMP sequence variant interpretation guidelines (Richards et al. 2015 PMID: 25741868, with internal and published modifications).